The following is an entry in ClinVar:

ClinVar aggregate classification (germline): Benign/Likely benign. Review status: criteria provided, multiple submitters, no conflicts (2 of 4 stars). 4 submissions from 4 submitters: Benign (2); Likely benign (1). 1 of the submissions does not count toward it. Last evaluated 2025-05-11.

Conditions:
Episodic ataxia type 2 (EA2). Also called: ATAXIA, EPISODIC, WITH NYSTAGMUS; ATAXIA, FAMILIAL PAROXYSMAL; CEREBELLAR ATAXIA, PAROXYSMAL, ACETAZOLAMIDE-RESPONSIVE; CEREBELLOPATHY, HEREDITARY PAROXYSMAL; EPISODIC ATAXIA, NYSTAGMUS-ASSOCIATED; ACETAZOLAMIDE-RESPONSIVE HEREDITARY PAROXYSMAL CEREBELLAR ATAXIA. Identifiers: Orphanet 97, MedGen C1720416, MONDO:0007163, OMIM 108500.
Developmental and epileptic encephalopathy, 42 (DEE42A). Also called: DEVELOPMENTAL AND EPILEPTIC ENCEPHALOPATHY 42A; EPILEPTIC ENCEPHALOPATHY, EARLY INFANTILE, 42A; Epileptic encephalopathy, early infantile, 42. Identifiers: MedGen C4310716, MONDO:0014917, OMIM 617106.
CACNA1A-related disorder. Also called: CACNA1A-related condition.

Allele frequency attached by ClinVar (database versions not stated): TOPMed 0.00002; gnomAD 0.00004 and 0.00009; ESP Exome Variant Server 0.00008; gnomAD exomes 0.00022; ExAC 0.00024; 1000 Genomes Project 30x 0.00078; 1000 Genomes Project 0.00100.
gnomAD v4.1: 144 of 1,613,944 alleles (0.0089%); highest among the groups gnomAD compares: South Asian, 0.13%; no homozygotes.

Submissions (4):

Labcorp Genetics (formerly Invitae), Labcorp
Classification: Benign for Developmental and epileptic encephalopathy, 42; Episodic ataxia type 2. Last evaluated: 2025-05-11. Review status: criteria provided, single submitter. Criteria: Invitae Variant Classification Sherloc (09022015). Collection method: clinical testing. Allele origin: germline.

GeneDx
Classification: Benign. Last evaluated: 2021-04-21. Review status: criteria provided, single submitter. Criteria: GeneDx Variant Classification Process June 2021. Collection method: clinical testing. Allele origin: germline. Affected: yes.

Eurofins Ntd Llc (ga)
Classification: Likely benign. Last evaluated: 2017-07-28. Review status: criteria provided, single submitter. Criteria: EGL Classification Definitions 2015. Collection method: clinical testing. Allele origin: germline. Observed: 1 variant allele, 1 heterozygote.

PreventionGenetics, part of Exact Sciences
Classification: Likely benign for CACNA1A-related condition. Last evaluated: 2019-07-24. Review status: no assertion criteria provided. Collection method: clinical testing. Allele origin: germline. Not counted in ClinVar's aggregate classification.
Comment: This variant is classified as likely benign based on ACMG/AMP sequence variant interpretation guidelines (Richards et al. 2015 PMID: 25741868, with internal and published modifications).

NM_001127222.2(CACNA1A):c.3684G>A (p.Thr1228=)

Gene: CACNA1A (calcium voltage-gated channel subunit alpha1 A; minus strand). Cytogenetic location: 19p13.13.
Variant type: single nucleotide variant.
Coding change: c.3684G>A on transcript NM_001127222.2 (MANE Select); coding-DNA position 3684, G replaced by A.
Protein change: p.Thr1228=; no amino-acid change (threonine 1228 retained).
Molecular consequence: synonymous variant.
Genome position (GRCh38, 1-based): chr19:13,285,076, C>T on the plus strand (G>A on the coding strand, the complement: CACNA1A is on the minus strand). VCF-style: chr19-13285076-C-T. GRCh37 (hg19) VCF-style: chr19-13395890-C-T.
Other names: c.3684G>A (NM_001127222.1); c.3696G>A, p.Thr1232= (NM_000068.4, NM_023035.3); c.3687G>A, p.Thr1229= (NM_001127221.2, NM_001174080.2).
Identifiers: ClinVar variation 511871 (VCV000511871.18), dbSNP rs368048030, ClinGen allele CA9240240.
Genomic context (GRCh38, chr19:13,285,076, plus strand): 5'-ACCCTGGTGGGAGCCCCAGGCCCCCCCTGCCCTTGCTGGGGGCCATACTCACGGGTTGGT[C>T]GTGGACAGGATGAACATGGAGCTATAGGGAGGCATTGGCTTAGGGCCGTCTTCCCCACGG-3'
Protein context (NP_001120694.1, residues 1218-1238): PPYSSMFILS[Thr1228=]TNPLRRLCHY